The following is an entry in ClinVar:

ClinVar aggregate classification (germline): Uncertain significance. Review status: criteria provided, multiple submitters, no conflicts (2 of 4 stars). 2 submissions from 2 submitters: Uncertain significance (2). Last evaluated 2025-08-28.

Conditions:
Cardiovascular phenotype. Identifiers: MedGen CN230736.
Hypertrophic cardiomyopathy. Also called: HYPERTROPHIC MYOCARDIOPATHY. Identifiers: Orphanet 217569, MedGen C0007194, MeSH D002312, MONDO:0005045, HP:0001639.

Allele frequency attached by ClinVar (database versions not stated): gnomAD 0.00001; TOPMed 0.00001; gnomAD exomes 0.00002; ExAC 0.00006.
gnomAD v4.1: 33 of 1,516,442 alleles (0.0022%); highest among the groups gnomAD compares: Admixed American, 0.0042%; no homozygotes.

Submissions (2):

Ambry Genetics
Classification: Uncertain significance for Cardiovascular phenotype. Last evaluated: 2025-08-28. Review status: criteria provided, single submitter. Criteria: Ambry Variant Classification Scheme 2023. Collection method: clinical testing. Allele origin: germline.
Comment: The p.A530V variant (also known as c.1589C>T), located in coding exon 4 of the JPH2 gene, results from a C to T substitution at nucleotide position 1589. The alanine at codon 530 is replaced by valine, an amino acid with similar properties. This amino acid position is not well conserved in available vertebrate species, and valine is the reference amino acid in other vertebrate species. In addition, this alteration is predicted to be tolerated by in silico analysis. Since supporting evidence is limited at this time, the clinical significance of this alteration remains unclear.

Labcorp Genetics (formerly Invitae), Labcorp
Classification: Uncertain significance for Hypertrophic cardiomyopathy. Last evaluated: 2023-04-08. Review status: criteria provided, single submitter. Criteria: Invitae Variant Classification Sherloc (09022015). Collection method: clinical testing. Allele origin: germline.
Comment: The frequency data for this variant in the population databases is considered unreliable, as metrics indicate poor data quality at this position in the gnomAD database. In summary, the available evidence is currently insufficient to determine the role of this variant in disease. Therefore, it has been classified as a Variant of Uncertain Significance. Algorithms developed to predict the effect of missense changes on protein structure and function output the following: SIFT: "Not Available"; PolyPhen-2: "Benign"; Align-GVGD: "Not Available". The valine amino acid residue is found in multiple mammalian species, which suggests that this missense change does not adversely affect protein function. ClinVar contains an entry for this variant (Variation ID: 263783). This variant has not been reported in the literature in individuals affected with JPH2-related conditions. This sequence change replaces alanine, which is neutral and non-polar, with valine, which is neutral and non-polar, at codon 530 of the JPH2 protein (p.Ala530Val).

NM_020433.5(JPH2):c.1589C>T (p.Ala530Val)

Gene: JPH2 (junctophilin 2; minus strand). Cytogenetic location: 20q13.12.
Variant type: single nucleotide variant.
Coding change: c.1589C>T on transcript NM_020433.5 (MANE Select); coding-DNA position 1589, C replaced by T.
Protein change: p.Ala530Val; replaces alanine 530 with valine.
Molecular consequence: missense variant.
Genome position (GRCh38, 1-based): chr20:44,116,086, G>A on the plus strand (C>T on the coding strand, the complement: JPH2 is on the minus strand). VCF-style: chr20-44116086-G-A. GRCh37 (hg19) VCF-style: chr20-42744726-G-A.
Other names: short protein forms A530V.
Identifiers: ClinVar variation 263783 (VCV000263783.11), dbSNP rs754961884, ClinGen allele CA9868657.